The following is an entry in ClinVar:

NM_030665.4(RAI1):c.5660-978_5660-964del

Gene: RAI1 (retinoic acid induced 1; plus strand). Cytogenetic location: 17p11.2.
Variant type: Deletion.
Coding change: c.5660-978_5660-964del on transcript NM_030665.4 (MANE Select); 978 bases into the intron before coding-DNA position 5660 through 964 bases into the intron before coding-DNA position 5660, 15 bases deleted (TTATTATTTTATTTT).
Molecular consequence: intron variant.
Genome position (GRCh38, 1-based): chr17:17,808,412-17,808,426, TTATTATTTTATTTT deleted; deleting any 15 consecutive bases within chr17:17,808,410-17,808,426 gives the same sequence; the c. name uses the placement nearest the transcript's 3' end. VCF-style (leftmost placement, unchanged base first): chr17-17808409-ATTTTATTATTTTATT-A. GRCh37 (hg19) VCF-style: chr17-17711723-ATTTTATTATTTTATT-A.
Identifiers: ClinVar variation 2647527 (VCV002647527.24), dbSNP rs1358556910, ClinGen allele CA498191029.

ClinVar aggregate classification (germline): Benign (1 of 4 stars; one submission).

Submission:

CeGaT Center for Human Genetics Tuebingen
Classification: Benign. Last evaluated: 2022-05-01. Review status: criteria provided, single submitter. Criteria: CeGaT Center For Human Genetics Tuebingen Variant Classification Criteria Version 2. Collection method: clinical testing. Allele origin: germline. Affected: yes. Observed: 1 variant allele.
Comment: RAI1: BS1, BS2